The following is an entry in ClinVar:

NM_004187.5(KDM5C):c.2423A>G (p.Asn808Ser)

Gene: KDM5C (lysine demethylase 5C; minus strand). Cytogenetic location: Xp11.22.
Variant type: single nucleotide variant.
Coding change: c.2423A>G on transcript NM_004187.5 (MANE Select); coding-DNA position 2423, A replaced by G.
Protein change: p.Asn808Ser; replaces asparagine 808 with serine.
Molecular consequence: missense variant. On other transcripts: non-coding transcript variant (3).
Genome position (GRCh38, 1-based): chrX:53,198,583, T>C on the plus strand (A>G on the coding strand, the complement: KDM5C is on the minus strand). VCF-style: chrX-53198583-T-C. GRCh37 (hg19) VCF-style: chrX-53227765-T-C.
Other names: c.2222A>G, p.Asn741Ser (NM_001146702.2); c.2420A>G, p.Asn807Ser (NM_001282622.3, NM_001353979.2, NM_001353982.2); c.2423A>G, p.Asn808Ser (NM_001353978.3, NM_001353981.2, NM_001353984.2); short protein forms N741S, N807S, N808S.
Identifiers: ClinVar variation 4764759 (VCV004764759.1).
Genomic context (GRCh38, chrX:53,198,583, plus strand): 5'-CGGGACACGCAAGCCTCTGCCTCACTCAGGCAGTTCTTTAGTTGCTGCAGCAGCTCACTA[T>C]TAGGAAACCTCCGCTCACGGGCTTCAGACTCTAGTGCCCTCAGTTCTTCAAGGCCTGGAA-3'
Protein context (NP_004178.2, residues 798-818): ESEARERRFP[Asn808Ser]SELLQQLKNC

ClinVar aggregate classification (germline): Uncertain significance (1 of 4 stars; one submission).

Conditions:
Spastic paraplegia. Identifiers: MedGen C0037772, HP:0001258.

Submission:

Labcorp Genetics (formerly Invitae), Labcorp
Classification: Uncertain significance for Spastic paraplegia. Last evaluated: 2025-07-30. Review status: criteria provided, single submitter. Criteria: Invitae Variant Classification Sherloc (09022015). Collection method: clinical testing. Allele origin: germline.
Comment: This sequence change replaces asparagine, which is neutral and polar, with serine, which is neutral and polar, at codon 808 of the KDM5C protein (p.Asn808Ser). This variant is not present in population databases (gnomAD no frequency). This variant has not been reported in the literature in individuals affected with KDM5C-related conditions. Invitae Evidence Modeling of protein sequence and biophysical properties (such as structural, functional, and spatial information, amino acid conservation, physicochemical variation, residue mobility, and thermodynamic stability) indicates that this missense variant is not expected to disrupt KDM5C protein function with a negative predictive value of 95%. In summary, the available evidence is currently insufficient to determine the role of this variant in disease. Therefore, it has been classified as a Variant of Uncertain Significance.